The following is an entry in ClinVar:

NM_005045.4(RELN):c.10357C>T (p.Arg3453Ter)

Genes: RELN (reelin; minus strand), SLC26A5-AS1 (SLC26A5 antisense RNA 1; plus strand). Cytogenetic location: 7q22.1.
Variant type: single nucleotide variant.
Coding change: c.10357C>T on transcript NM_005045.4 (MANE Select); coding-DNA position 10357, C replaced by T.
Protein change: p.Arg3453Ter; replaces arginine 3453 with a stop codon.
Molecular consequence: nonsense.
Genome position (GRCh38, 1-based): chr7:103,472,838, G>A on the plus strand (C>T on the coding strand, the complement: RELN is on the minus strand). VCF-style: chr7-103472838-G-A. GRCh37 (hg19) VCF-style: chr7-103113285-G-A.
Other names: c.10351C>T, p.Arg3451Ter (NM_173054.3); short protein forms R3453*, R3451*.
Identifiers: ClinVar variation 574190 (VCV000574190.10), dbSNP rs139326865, ClinGen allele CA4419911.

ClinVar aggregate classification (germline): Conflicting classifications of pathogenicity. Review status: criteria provided, conflicting classifications (1 of 4 stars). 4 submissions from 4 submitters: Uncertain significance (2); Benign (1). 1 of the submissions does not count toward it. Last evaluated 2024-10-22.

Conditions:
Epilepsy, familial temporal lobe, 1. Identifiers: Orphanet 101046, MedGen CN030884, MONDO:0700090, OMIM 600512.
Norman-Roberts syndrome (LIS2). Also called: Lissencephaly 2 (Norman-Roberts type). Identifiers: Orphanet 89844, MedGen C0796089, MONDO:0009760, OMIM 257320.
Familial temporal lobe epilepsy 7. Identifiers: Orphanet 101046, MedGen C4225327, MONDO:0014639, OMIM 616436.
RELN-related disorder. Also called: RELN-related condition.

Allele frequency attached by ClinVar (database versions not stated): gnomAD exomes 0.00002 and 0.00004; ExAC 0.00004; TOPMed 0.00005; gnomAD 0.00006 and 0.00007; ESP Exome Variant Server 0.00008; 1000 Genomes Project 30x 0.00016; 1000 Genomes Project 0.00020.
gnomAD v4.1: 41 of 1,613,790 alleles (0.0025%); highest among the groups gnomAD compares: African/African-American, 0.015%; no homozygotes.

Submissions (4):

Labcorp Genetics (formerly Invitae), Labcorp
Classification: Benign for Familial temporal lobe epilepsy 7; Norman-Roberts syndrome. Last evaluated: 2024-10-22. Review status: criteria provided, single submitter. Criteria: Invitae Variant Classification Sherloc (09022015). Collection method: clinical testing. Allele origin: germline.

Blueprint Genetics
Classification: Uncertain significance. Last evaluated: 2024-01-10. Review status: criteria provided, single submitter. Criteria: ACMG Guidelines, 2015. Collection method: clinical testing. Allele origin: germline.

Fulgent Genetics
Classification: Uncertain significance for Norman-Roberts syndrome; Epilepsy, familial temporal lobe, 1; Familial temporal lobe epilepsy 7. Last evaluated: 2022-02-02. Review status: criteria provided, single submitter. Criteria: ACMG Guidelines, 2015. Collection method: clinical testing. Allele origin: unknown.

PreventionGenetics, part of Exact Sciences
Classification: Uncertain significance for RELN-related condition. Last evaluated: 2024-03-07. Review status: no assertion criteria provided. Collection method: clinical testing. Allele origin: germline. Not counted in ClinVar's aggregate classification.
Comment: The RELN c.10357C>T variant is predicted to result in premature protein termination (p.Arg3453*). To our knowledge, this variant has not been reported in the literature. This variant is reported in 0.024% of alleles in individuals of African descent in gnomAD. At this time, the clinical significance of this variant is uncertain due to the absence of conclusive functional and genetic evidence.